The following is an entry in ClinVar:

ClinVar aggregate classification (germline): Likely pathogenic (1 of 4 stars; one submission).

Submission:

Labcorp Genetics (formerly Invitae), Labcorp
Classification: Likely pathogenic. Last evaluated: 2022-03-14. Review status: criteria provided, single submitter. Criteria: Invitae Variant Classification Sherloc (09022015). Collection method: clinical testing. Allele origin: germline.
Comment: This sequence change affects an acceptor splice site in intron 5 of the RUSC2 gene. It is expected to disrupt RNA splicing. Variants that disrupt the donor or acceptor splice site typically lead to a loss of protein function (PMID: 16199547), and loss-of-function variants in RUSC2 are known to be pathogenic (PMID: 27612186). This variant is not present in population databases (gnomAD no frequency). This variant has not been reported in the literature in individuals affected with RUSC2-related conditions. Algorithms developed to predict the effect of sequence changes on RNA splicing suggest that this variant may disrupt the consensus splice site. In summary, the currently available evidence indicates that the variant is pathogenic, but additional data are needed to prove that conclusively. Therefore, this variant has been classified as Likely Pathogenic.

Literature cited by the submitters: PubMed 16199547; PubMed 27612186.

NM_014806.5(RUSC2):c.2984-2A>G

Gene: RUSC2 (RUN and SH3 domain containing 2; plus strand). Cytogenetic location: 9p13.3.
Variant type: single nucleotide variant.
Coding change: c.2984-2A>G on transcript NM_014806.5 (MANE Select); the canonical splice acceptor site of the intron before coding-DNA position 2984, A replaced by G.
Molecular consequence: splice acceptor variant.
Genome position (GRCh38, 1-based): chr9:35,557,912, A>G. VCF-style: chr9-35557912-A-G. GRCh37 (hg19) VCF-style: chr9-35557909-A-G.
Other names: c.350-2A>G (NM_001330740.2); c.2984-2A>G (NM_001135999.2).
Identifiers: ClinVar variation 2112012 (VCV002112012.4), dbSNP rs2490409243, ClinGen allele CA373346878.